The following is an entry in ClinVar:

ClinVar aggregate classification (germline): Uncertain significance (1 of 4 stars; one submission).

Conditions:
Bethlem myopathy 1A. Also called: Bethlem myopathy 1; MYOPATHY, BENIGN CONGENITAL, WITH CONTRACTURES; Bethlem Muscular Dystrophy. Identifiers: Orphanet 610, MedGen CN029274, MONDO:0024530, OMIM 158810.

Allele frequency attached by ClinVar (database versions not stated): gnomAD exomes below 0.00001; TOPMed below 0.00001; gnomAD 0.00001.
gnomAD v4.1: 4 of 1,595,624 alleles (0.00025%); highest among the groups gnomAD compares: East Asian, 0.009%; no homozygotes.

Submission:

Labcorp Genetics (formerly Invitae), Labcorp
Classification: Uncertain significance for Bethlem myopathy 1A. Last evaluated: 2023-12-18. Review status: criteria provided, single submitter. Criteria: Invitae Variant Classification Sherloc (09022015). Collection method: clinical testing. Allele origin: germline.
Comment: This sequence change falls in intron 25 of the COL6A1 gene. It does not directly change the encoded amino acid sequence of the COL6A1 protein. This variant is present in population databases (no rsID available, gnomAD 0.01%). This variant has not been reported in the literature in individuals affected with COL6A1-related conditions. Algorithms developed to predict the effect of sequence changes on RNA splicing suggest that this variant may disrupt the consensus splice site. In summary, the available evidence is currently insufficient to determine the role of this variant in disease. Therefore, it has been classified as a Variant of Uncertain Significance.

NM_001848.3(COL6A1):c.1675-5T>G

Gene: COL6A1 (collagen type VI alpha 1 chain; plus strand). Cytogenetic location: 21q22.3.
Variant type: single nucleotide variant.
Coding change: c.1675-5T>G on transcript NM_001848.3 (MANE Select); 5 bases into the intron before coding-DNA position 1675, T replaced by G.
Molecular consequence: intron variant.
Genome position (GRCh38, 1-based): chr21:45,999,148, T>G. VCF-style: chr21-45999148-T-G. GRCh37 (hg19) VCF-style: chr21-47419062-T-G.
Identifiers: ClinVar variation 2809486 (VCV002809486.3), dbSNP rs1265394771, ClinGen allele CA638181521.